The following is an entry in ClinVar:

ClinVar aggregate classification (germline): Uncertain significance. Review status: criteria provided, multiple submitters, no conflicts (2 of 4 stars). 2 submissions from 2 submitters: Uncertain significance (2). Last evaluated 2025-04-28.

Conditions:
Inborn genetic diseases. Identifiers: MedGen C0950123, MeSH D030342.

Allele frequency attached by ClinVar (database versions not stated): gnomAD exomes below 0.00001.
gnomAD v4.1: 3 of 1,613,866 alleles (0.00019%); highest among the groups gnomAD compares: Non-Finnish European, 0.00025%; no homozygotes.

Submissions (2):

Labcorp Genetics (formerly Invitae), Labcorp
Classification: Uncertain significance. Last evaluated: 2025-04-28. Review status: criteria provided, single submitter. Criteria: Invitae Variant Classification Sherloc (09022015). Collection method: clinical testing. Allele origin: germline.
Comment: This sequence change replaces tryptophan, which is neutral and slightly polar, with leucine, which is neutral and non-polar, at codon 1591 of the ATR protein (p.Trp1591Leu). This variant is not present in population databases (gnomAD no frequency). This variant has not been reported in the literature in individuals affected with ATR-related conditions. ClinVar contains an entry for this variant (Variation ID: 1373758). An algorithm developed to predict the effect of missense changes on protein structure and function (PolyPhen-2) suggests that this variant is likely to be disruptive. In summary, the available evidence is currently insufficient to determine the role of this variant in disease. Therefore, it has been classified as a Variant of Uncertain Significance.

Ambry Genetics
Classification: Uncertain significance for Inborn genetic diseases. Last evaluated: 2023-05-31. Review status: criteria provided, single submitter. Criteria: Ambry Variant Classification Scheme 2023. Collection method: clinical testing. Allele origin: germline.
Comment: The p.W1591L variant (also known as c.4772G>T), located in coding exon 27 of the ATR gene, results from a G to T substitution at nucleotide position 4772. The tryptophan at codon 1591 is replaced by leucine, an amino acid with similar properties. This amino acid position is conserved. In addition, the in silico prediction for this alteration is inconclusive. Since supporting evidence is limited at this time, the clinical significance of this alteration remains unclear.

NM_001184.4(ATR):c.4772G>T (p.Trp1591Leu)

Gene: ATR (ATR checkpoint kinase; minus strand). Cytogenetic location: 3q23.
Variant type: single nucleotide variant.
Coding change: c.4772G>T on transcript NM_001184.4 (MANE Select); coding-DNA position 4772, G replaced by T.
Protein change: p.Trp1591Leu; replaces tryptophan 1591 with leucine.
Molecular consequence: missense variant.
Genome position (GRCh38, 1-based): chr3:142,512,340, C>A on the plus strand (G>T on the coding strand, the complement: ATR is on the minus strand). VCF-style: chr3-142512340-C-A. GRCh37 (hg19) VCF-style: chr3-142231182-C-A.
Other names: c.4772G>T (NM_001184.3); c.4580G>T, p.Trp1527Leu (NM_001354579.2); short protein forms W1591L, W1527L.
Identifiers: ClinVar variation 1373758 (VCV001373758.9), dbSNP rs2108371609, ClinGen allele CA354795358.